The following is an entry in ClinVar:

NM_018297.4(NGLY1):c.1789G>A (p.Asp597Asn)

Gene: NGLY1 (N-glycanase 1; minus strand). Cytogenetic location: 3p24.2.
Variant type: single nucleotide variant.
Coding change: c.1789G>A on transcript NM_018297.4 (MANE Select); coding-DNA position 1789, G replaced by A.
Protein change: p.Asp597Asn; replaces aspartic acid 597 with asparagine.
Molecular consequence: missense variant. On other transcripts: intron variant (1).
Genome position (GRCh38, 1-based): chr3:25,720,014, C>T on the plus strand (G>A on the coding strand, the complement: NGLY1 is on the minus strand). VCF-style: chr3-25720014-C-T. GRCh37 (hg19) VCF-style: chr3-25761505-C-T.
Other names: c.1612-379G>A (NM_001145295.2); c.1735G>A, p.Asp579Asn (NM_001145293.2); c.1663G>A, p.Asp555Asn (NM_001145294.2); short protein forms D555N, D579N, D597N.
Identifiers: ClinVar variation 3063892 (VCV003063892.2), dbSNP rs1429153517, ClinGen allele CA351893800.

ClinVar aggregate classification (germline): Conflicting classifications of pathogenicity. Review status: criteria provided, conflicting classifications (1 of 4 stars). 2 submissions from 2 submitters: Likely pathogenic (1); Uncertain significance (1). Last evaluated 2024-02-06.

Conditions:
Congenital disorder of deglycosylation (CDDG). Identifiers: MedGen C3808991, MONDO:0031376.
Congenital disorder of deglycosylation 1. Also called: NGLY1-Related Congenital Disorder of Deglycosylation; NGLY1-deficiency. Identifiers: Orphanet 404454, MedGen CN306977, MONDO:0800044, OMIM 615273.

Allele frequency attached by ClinVar (database versions not stated): gnomAD exomes 0.00001; gnomAD 0.00005.
gnomAD v4.1: 13 of 1,606,750 alleles (0.00081%); highest among the groups gnomAD compares: Middle Eastern, 0.017%; no homozygotes.

Submissions (2):

Revvity Omics, Revvity
Classification: Uncertain significance for Congenital disorder of deglycosylation 1. Last evaluated: 2024-02-06. Review status: criteria provided, single submitter. Criteria: ACMG Guidelines, 2015. Collection method: clinical testing. Allele origin: germline.

Women's Health and Genetics/Laboratory Corporation of America, LabCorp
Classification: Likely pathogenic for Congenital disorder of deglycosylation. Last evaluated: 2024-01-12. Review status: criteria provided, single submitter. Criteria: LabCorp Variant Classification Summary - May 2015. Collection method: clinical testing. Allele origin: germline.
Comment: Variant summary: NGLY1 c.1789G>A (p.Asp597Asn) results in a conservative amino acid change located in the Peptide N glycanase, PAW domain (IPR006588) of the encoded protein sequence. Four of five in-silico tools predict a benign effect of the variant on protein function. This variant affects the nucleotide immediately upstream of the donor splice site of intron 11. Several computational tools predict a significant impact on normal splicing: One predict the variant abolishes the 5' canonical splicing donor site. Three predict the variant weakens the 5' canonical splicing donor site. However, these predictions have yet to be confirmed by functional studies. The variant allele was found at a frequency of 1.3e-05 in 984564 control chromosomes. This frequency is not significantly higher than estimated for a pathogenic variant in NGLY1 causing Congenital Disorder Of Deglycosylation (1.3e-05 vs 0.0011), allowing no conclusion about variant significance. c.1789G>A has been reported in the literature at a homozygous state in at-least two unrelated individuals affected with congenital ataxia via WES (example, Valence_2019). These data indicate that the variant is likely to be associated with disease. To our knowledge, no experimental evidence demonstrating an impact on protein function has been reported. The following publication have been ascertained in the context of this evaluation (PMID: 29997391). No submitters have cited clinical-significance assessments for this variant to ClinVar. Based on the evidence outlined above, the variant was classified as likely pathogenic.

Literature cited by the submitters: PubMed 29997391 (cited by Women's Health and Genetics/Laboratory Corporation of America, LabCorp).